The following is an entry in ClinVar:

NM_019008.6(MIEF1):c.664G>A (p.Asp222Asn)

Gene: MIEF1 (mitochondrial elongation factor 1; plus strand). Cytogenetic location: 22q13.1.
Variant type: single nucleotide variant.
Coding change: c.664G>A on transcript NM_019008.6 (MANE Select); coding-DNA position 664, G replaced by A.
Protein change: p.Asp222Asn; replaces aspartic acid 222 with asparagine.
Molecular consequence: missense variant. On other transcripts: non-coding transcript variant (2).
Genome position (GRCh38, 1-based): chr22:39,513,595, G>A. VCF-style: chr22-39513595-G-A. GRCh37 (hg19) VCF-style: chr22-39909600-G-A.
Other names: c.664G>A (NM_001304564.1); c.664G>A, p.Asp222Asn (NM_001304564.2); short protein forms D222N.
Identifiers: ClinVar variation 2653149 (VCV002653149.25), dbSNP rs138446352, ClinGen allele CA10242686.

ClinVar aggregate classification (germline): Benign/Likely benign. Review status: criteria provided, multiple submitters, no conflicts (2 of 4 stars). 3 submissions from 3 submitters: Benign (1); Likely benign (1). 1 of the submissions does not count toward it. Last evaluated 2026-09-18.

Conditions:
Retinal dystrophy. Also called: Inherited retinal dystrophy. Identifiers: Orphanet 71862, MedGen C0854723, MeSH D058499, MONDO:0019118, HP:0000556.
MIEF1-related condition.

Allele frequency attached by ClinVar (database versions not stated): 1000 Genomes Project 0.00080; 1000 Genomes Project 30x 0.00109; TOPMed 0.00210; ESP Exome Variant Server 0.00215; gnomAD 0.00216; ExAC 0.00269; gnomAD exomes 0.00296.
gnomAD v4.1: 4,618 of 1,614,208 alleles (0.29%); highest among the groups gnomAD compares: Middle Eastern, 0.68%; 17 homozygotes.

Submissions (3):

PreventionGenetics, part of Exact Sciences
Classification: Benign for MIEF1-related condition. Last evaluated: 2026-09-18. Review status: criteria provided, single submitter. Criteria: ACMG Guidelines, 2015. Collection method: clinical testing. Allele origin: germline.
Comment: This variant is classified as benign based on ACMG/AMP sequence variant interpretation guidelines (Richards et al. 2015 PMID: 25741868, with internal and published modifications).

CeGaT Center for Human Genetics Tuebingen
Classification: Likely benign. Last evaluated: 2026-01-01. Review status: criteria provided, single submitter. Criteria: CeGaT Center For Human Genetics Tuebingen Variant Classification Criteria Version 2. Collection method: clinical testing. Allele origin: germline. Affected: yes. Observed: 4 variant alleles.
Comment: MIEF1: BS2

Institute of Human Genetics, Univ. Regensburg, Univ. Regensburg
Classification: Uncertain significance for Retinal dystrophy. Last evaluated: 2023-01-01. Review status: no assertion criteria provided. Criteria: ACMG Guidelines, 2015. Collection method: clinical testing. Allele origin: germline. Affected: yes. Not counted in ClinVar's aggregate classification.